The following is an entry in ClinVar:

NC_000007.13:g.(?_55086971)_(55087068_?)dup

Gene: EGFR (epidermal growth factor receptor; plus strand). Cytogenetic location: 7p11.2.
Variant type: Duplication.
Identifiers: ClinVar variation 1007638 (VCV001007638.1).

ClinVar aggregate classification (germline): Uncertain significance (1 of 4 stars; one submission).

Conditions:
EGFR-related lung cancer (EGFR). Identifiers: MedGen CN130014.

Submission:

Labcorp Genetics (formerly Invitae), Labcorp
Classification: Uncertain significance for EGFR-related lung cancer. Last evaluated: 2020-09-09. Review status: criteria provided, single submitter. Criteria: Invitae Variant Classification Sherloc (09022015). Collection method: clinical testing. Allele origin: germline.
Comment: This variant results in a copy number gain of the genomic region encompassing exon 1 of the EGFR gene, which includes the initiator codon. The 5' end of this event is unknown as it extends beyond the assayed region for this gene and therefore may encompass additional genes. The 3' boundary is likely confined to intron 1 of the EGFR gene. As the precise location of this event is unknown, it may be in tandem or it may be located elsewhere in the genome. This variant has not been reported in the literature in individuals with EGFR-related conditions. In summary, the available evidence is currently insufficient to determine the role of this variant in disease. Therefore, it has been classified as a Variant of Uncertain Significance.